The following is an entry in ClinVar:

NM_000091.5(COL4A3):c.1268C>G (p.Ala423Gly)

Genes: COL4A3 (collagen type IV alpha 3 chain; plus strand), MFF-DT (MFF divergent transcript; minus strand). Cytogenetic location: 2q36.3.
Variant type: single nucleotide variant.
Coding change: c.1268C>G on transcript NM_000091.5 (MANE Select); coding-DNA position 1268, C replaced by G.
Protein change: p.Ala423Gly; replaces alanine 423 with glycine.
Molecular consequence: missense variant.
Genome position (GRCh38, 1-based): chr2:227,263,897, C>G. VCF-style: chr2-227263897-C-G. GRCh37 (hg19) VCF-style: chr2-228128613-C-G.
Other names: short protein forms A423G.
Identifiers: ClinVar variation 4280039 (VCV004280039.1).
Genomic context (GRCh38, chr2:227,263,897, plus strand): 5'-AAGGGGAACGAGGCCGCCCAGGAAAGGATGCCATGGGGACTCCTGGGTCCCCAGGTTGTG[C>G]TGGTTCACCAGGTCTTCCAGGATCACCGGGACCTCCAGGACCGCCAGGTAAAGATGTGGA-3'
Protein context (NP_000082.2, residues 413-433): AMGTPGSPGC[Ala423Gly]GSPGLPGSPG

ClinVar aggregate classification (germline): Uncertain significance (1 of 4 stars; one submission).

Conditions:
Autosomal dominant Alport syndrome (ATS3A). Also called: ALPORT SYNDROME 3A, AUTOSOMAL DOMINANT; Alport syndrome dominant type; Renal failure and sensorineural hearing loss. Identifiers: Orphanet 63, Orphanet 88918, MedGen C5882663, MONDO:0007086, OMIM 104200.

gnomAD v4.1: 4 of 1,614,202 alleles (0.00025%); highest among the groups gnomAD compares: East Asian, 0.0089%; no homozygotes.

Submission:

Johns Hopkins Genomics, Johns Hopkins University
Classification: Uncertain significance for Autosomal dominant Alport syndrome. Last evaluated: 2024-08-14. Review status: criteria provided, single submitter. Criteria: ACMG Guidelines, 2015. Collection method: clinical testing. Allele origin: germline.
Comment: This COL4A3 missense variant (rs1385457679) is rare (<0.1%) in a large population dataset (gnomAD v4.1.0: 4/1614202 total alleles; 0.00025%; no homozygotes). It has not been reported in ClinVar, nor the literature, to our knowledge. Of two bioinformatics tools queried, one predicts that the substitution would be damaging, while the other predicts that it would be tolerated, and the alanine residue at this position is very poorly evolutionarily conserved across the species assessed. We consider the clinical significance of c.1268C>G in COL4A3 to be uncertain at this time.